The following is an entry in ClinVar:

ClinVar aggregate classification (germline): Likely benign. Review status: criteria provided, multiple submitters, no conflicts (2 of 4 stars). 4 submissions from 4 submitters: Likely benign (3). 1 of the submissions does not count toward it. Last evaluated 2026-05-01.

Conditions:
FSIP2-related disorder. Also called: FSIP2-related condition.

Allele frequency attached by ClinVar (database versions not stated): 1000 Genomes Project 0.00100; 1000 Genomes Project 30x 0.00125; gnomAD 0.00169 and 0.00172; TOPMed 0.00172; ExAC 0.00176; gnomAD exomes 0.00176 and 0.00261; ESP Exome Variant Server 0.00228.
gnomAD v4.1: 4,039 of 1,608,818 alleles (0.25%); highest among the groups gnomAD compares: Non-Finnish European, 0.31%; 9 homozygotes.

Submissions (4):

CeGaT Center for Human Genetics Tuebingen
Classification: Likely benign. Last evaluated: 2026-05-01. Review status: criteria provided, single submitter. Criteria: CeGaT Center For Human Genetics Tuebingen Variant Classification Criteria Version 2. Collection method: clinical testing. Allele origin: germline. Affected: yes. Observed: 4 variant alleles.
Comment: FSIP2: BP4, BP7

Blueprint Genetics
Classification: Likely benign. Last evaluated: 2024-11-22. Review status: criteria provided, single submitter. Criteria: ACMG Guidelines, 2015. Collection method: clinical testing. Allele origin: germline.

Breakthrough Genomics
Classification: Likely benign. Review status: criteria provided, single submitter. Criteria: ACMG Guidelines, 2015. Collection method: not provided. Allele origin: germline. Inheritance: Autosomal recessive inheritance. Affected: yes.

PreventionGenetics, part of Exact Sciences
Classification: Likely benign for FSIP2-related condition. Last evaluated: 2019-06-07. Review status: no assertion criteria provided. Collection method: clinical testing. Allele origin: germline. Not counted in ClinVar's aggregate classification.
Comment: This variant is classified as likely benign based on ACMG/AMP sequence variant interpretation guidelines (Richards et al. 2015 PMID: 25741868, with internal and published modifications).

NM_173651.4(FSIP2):c.16542G>C (p.Val5514=)

Gene: FSIP2 (fibrous sheath interacting protein 2; plus strand). Cytogenetic location: 2q32.1.
Variant type: single nucleotide variant.
Coding change: c.16542G>C on transcript NM_173651.4 (MANE Select); coding-DNA position 16542, G replaced by C.
Protein change: p.Val5514=; no amino-acid change (valine 5514 retained).
Molecular consequence: synonymous variant.
Genome position (GRCh38, 1-based): chr2:185,805,848, G>C. VCF-style: chr2-185805848-G-C. GRCh37 (hg19) VCF-style: chr2-186670575-G-C.
Other names: c.16542G>C (NM_173651.3).
Identifiers: ClinVar variation 1298849 (VCV001298849.38), dbSNP rs184298485, ClinGen allele CA2017260.